The following is an entry in ClinVar:

ClinVar aggregate classification (germline): Pathogenic (1 of 4 stars; one submission).

Submission:

ARUP Laboratories, Molecular Genetics and Genomics, ARUP Laboratories
Classification: Pathogenic. Last evaluated: 2018-07-13. Review status: criteria provided, single submitter. Criteria: ARUP Molecular Germline Variant Investigation Process. Collection method: clinical testing. Allele origin: germline.
Comment: The c.1103-2A>C variant has not been reported in the medical literature, gene specific variant databases including ClinVar, nor has it been previously identified by our laboratory. The c.1103-2A>C variant abolishes the splice acceptor site of intron 7 and is predicted to alter splicing (Alamut v.2.11).

NM_002890.3(RASA1):c.1103-2A>C

Genes: CCNH (cyclin H; minus strand), RASA1 (RAS p21 protein activator 1; plus strand). Cytogenetic location: 5q14.3.
Variant type: single nucleotide variant.
Coding change: c.1103-2A>C on transcript NM_002890.3 (MANE Select); the canonical splice acceptor site of the intron before coding-DNA position 1103, A replaced by C.
Molecular consequence: splice acceptor variant. On other transcripts: intron variant (1).
Genome position (GRCh38, 1-based): chr5:87,349,212, A>C. VCF-style: chr5-87349212-A-C. GRCh37 (hg19) VCF-style: chr5-86645029-A-C.
Other names: c.572-2A>C (NM_022650.3); c.934-36417T>G (NM_001364075.2).
Identifiers: ClinVar variation 811707 (VCV000811707.8), dbSNP rs1484719321, ClinGen allele CA360363455.